The following is an entry in ClinVar:

ClinVar aggregate classification (germline): Uncertain significance (1 of 4 stars; one submission).

Submission:

Ambry Genetics
Classification: Uncertain significance. Last evaluated: 2025-10-22. Review status: criteria provided, single submitter. Criteria: Ambry Variant Classification Scheme 2023. Collection method: clinical testing. Allele origin: germline.
Comment: The p.L1559V variant (also known as c.4675C>G), located in coding exon 19 of the WNK2 gene, results from a C to G substitution at nucleotide position 4675. The leucine at codon 1559 is replaced by valine, an amino acid with highly similar properties. This amino acid position is conserved. In addition, this alteration is predicted to be tolerated by in silico analysis. Based on the available evidence, the clinical significance of this variant remains unclear.

NM_006648.4(WNK2):c.4675C>G (p.Leu1559Val)

Gene: WNK2 (WNK lysine deficient protein kinase 2; plus strand). Cytogenetic location: 9q22.31.
Variant type: single nucleotide variant.
Coding change: c.4675C>G on transcript NM_006648.4 (MANE Select); coding-DNA position 4675, C replaced by G.
Protein change: p.Leu1559Val; replaces leucine 1559 with valine.
Molecular consequence: missense variant.
Genome position (GRCh38, 1-based): chr9:93,289,429, C>G. VCF-style: chr9-93289429-C-G. GRCh37 (hg19) VCF-style: chr9-96051711-C-G.
Other names: c.4786C>G, p.Leu1596Val (NM_001282394.3); short protein forms L1559V, L1596V.
Identifiers: ClinVar variation 4605280 (VCV004605280.1).